The following is an entry in ClinVar:

ClinVar aggregate classification (germline): Uncertain significance (1 of 4 stars; one submission).

Allele frequency attached by ClinVar (database versions not stated): gnomAD exomes below 0.00001; gnomAD 0.00001; TOPMed 0.00004.
gnomAD v4.1: 5 of 1,613,970 alleles (0.00031%); highest among the groups gnomAD compares: Admixed American, 0.0033%; no homozygotes.

Submission:

Ambry Genetics
Classification: Uncertain significance. Last evaluated: 2017-02-20. Review status: criteria provided, single submitter. Criteria: Ambry Variant Classification Scheme 2023. Collection method: clinical testing. Allele origin: germline.
Comment: The p.Y456H variant (also known as c.1366T>C), located in coding exon 14 of the KATNAL2 gene, results from a T to C substitution at nucleotide position 1366. The tyrosine at codon 456 is replaced by histidine, an amino acid with similar properties. This amino acid position is highly conserved in available vertebrate species. In addition, this alteration is predicted to be deleterious by in silico analysis. Since supporting evidence is limited at this time, the clinical significance of this alteration remains unclear.

NM_001387690.1(KATNAL2):c.1582T>C (p.Tyr528His)

Gene: KATNAL2 (katanin catalytic subunit A1 like 2; plus strand). Cytogenetic location: 18q21.1.
Variant type: single nucleotide variant.
Coding change: c.1582T>C on transcript NM_001387690.1 (MANE Select); coding-DNA position 1582, T replaced by C.
Protein change: p.Tyr528His; replaces tyrosine 528 with histidine.
Molecular consequence: missense variant. On other transcripts: non-coding transcript variant (1).
Genome position (GRCh38, 1-based): chr18:47,100,970, T>C. VCF-style: chr18-47100970-T-C. GRCh37 (hg19) VCF-style: chr18-44627341-T-C.
Other names: c.1660T>C, p.Tyr554His (NM_001353899.1); c.1657T>C, p.Tyr553His (NM_001353900.1); c.1249T>C, p.Tyr417His (NM_001353903.1); c.1150T>C, p.Tyr384His (NM_001353904.1); c.1582T>C, p.Tyr528His (NM_001367621.1); c.1366T>C, p.Tyr456His (NM_031303.3); short protein forms Y456H, Y528H, Y417H, Y384H, Y553H, Y554H.
Identifiers: ClinVar variation 588797 (VCV000588797.5), dbSNP rs1375140684, ClinGen allele CA402394635.